The following is an entry in ClinVar:

NM_001270508.2(TNFAIP3):c.1050G>C (p.Gln350His)

Gene: TNFAIP3 (TNF alpha induced protein 3; plus strand). Cytogenetic location: 6q23.3.
Variant type: single nucleotide variant.
Coding change: c.1050G>C on transcript NM_001270508.2 (MANE Select); coding-DNA position 1050, G replaced by C.
Protein change: p.Gln350His; replaces glutamine 350 with histidine.
Molecular consequence: missense variant.
Genome position (GRCh38, 1-based): chr6:137,878,495, G>C. VCF-style: chr6-137878495-G-C. GRCh37 (hg19) VCF-style: chr6-138199632-G-C.
Other names: c.1050G>C, p.Gln350His (NM_001270507.2, NM_006290.4); short protein forms Q350H.
Identifiers: ClinVar variation 3690761 (VCV003690761.2).

ClinVar aggregate classification (germline): Uncertain significance (1 of 4 stars; one submission).

Submission:

Labcorp Genetics (formerly Invitae), Labcorp
Classification: Uncertain significance. Last evaluated: 2025-09-10. Review status: criteria provided, single submitter. Criteria: Invitae Variant Classification Sherloc (09022015). Collection method: clinical testing. Allele origin: germline.
Comment: This sequence change replaces glutamine, which is neutral and polar, with histidine, which is basic and polar, at codon 350 of the TNFAIP3 protein (p.Gln350His). This variant is present in population databases (rs776591390, gnomAD 0.009%). This variant has not been reported in the literature in individuals affected with TNFAIP3-related conditions. ClinVar contains an entry for this variant (Variation ID: 3690761). Invitae Evidence Modeling of protein sequence and biophysical properties (such as structural, functional, and spatial information, amino acid conservation, physicochemical variation, residue mobility, and thermodynamic stability) has been performed for this missense variant. However, the output from this modeling did not meet the statistical confidence thresholds required to predict the impact of this variant on TNFAIP3 protein function. In summary, the available evidence is currently insufficient to determine the role of this variant in disease. Therefore, it has been classified as a Variant of Uncertain Significance.